The following is an entry in ClinVar:

NM_000548.5(TSC2):c.864C>T (p.Asp288=)

Gene: TSC2 (TSC complex subunit 2; plus strand). Cytogenetic location: 16p13.3.
Variant type: single nucleotide variant.
Coding change: c.864C>T on transcript NM_000548.5 (MANE Select); coding-DNA position 864, C replaced by T.
Protein change: p.Asp288=; no amino-acid change (aspartic acid 288 retained).
Molecular consequence: synonymous variant.
Genome position (GRCh38, 1-based): chr16:2,058,762, C>T. VCF-style: chr16-2058762-C-T. GRCh37 (hg19) VCF-style: chr16-2108763-C-T.
Other names: c.864C>T, p.Asp288= (NM_001077183.3, NM_001114382.3, NM_001363528.2 and 3 more transcripts); c.753C>T, p.Asp251= (NM_001318827.2); c.717C>T, p.Asp239= (NM_001318829.2); c.264C>T, p.Asp88= (NM_001318831.2); c.897C>T, p.Asp299= (NM_001318832.2); c.864C>T (NM_000548.4).
Identifiers: ClinVar variation 413646 (VCV000413646.46), dbSNP rs780887572, ClinGen allele CA056607.

ClinVar aggregate classification (germline): Benign/Likely benign. Review status: criteria provided, multiple submitters, no conflicts (2 of 4 stars). 10 submissions from 10 submitters: Benign (2); Likely benign (8). Last evaluated 2026-07-21.

Conditions:
TSC2-related disorder. Also called: TSC2-Related Disorders; TSC2-related condition.
Hereditary cancer-predisposing syndrome. Also called: Tumor predisposition; Hereditary neoplastic syndrome; Hereditary Cancer Syndrome; Neoplastic Syndromes, Hereditary. Identifiers: Orphanet 140162, MedGen C0027672, MeSH D009386, MONDO:0015356.
Tuberous sclerosis syndrome (TSC). Also called: Tuberous Sclerosis Complex; Tuberous sclerosis. Identifiers: Orphanet 805, MedGen C0041341, MONDO:0001734.
Tuberous sclerosis 2 (TSC2). Identifiers: Orphanet 805, MedGen C1860707, MONDO:0013199, OMIM 613254.

Allele frequency attached by ClinVar (database versions not stated): gnomAD exomes 0.00002; ExAC 0.00003; gnomAD 0.00003.
gnomAD v4.1: 11 of 1,584,642 alleles (0.00069%); highest among the groups gnomAD compares: South Asian, 0.0034%; no homozygotes.

Submissions (10):

PreventionGenetics, part of Exact Sciences
Classification: Likely benign for TSC2-related condition. Last evaluated: 2026-07-21. Review status: criteria provided, single submitter. Criteria: ACMG Guidelines, 2015. Collection method: clinical testing. Allele origin: germline.
Comment: This variant is classified as likely benign based on ACMG/AMP sequence variant interpretation guidelines (Richards et al. 2015 PMID: 25741868, with internal and published modifications).

Labcorp Genetics (formerly Invitae), Labcorp
Classification: Likely benign for Tuberous sclerosis 2. Last evaluated: 2025-10-01. Review status: criteria provided, single submitter. Criteria: Invitae Variant Classification Sherloc (09022015). Collection method: clinical testing. Allele origin: germline.

Myriad Genetics, Inc.
Classification: Benign for Tuberous sclerosis 2. Last evaluated: 2025-05-12. Review status: criteria provided, single submitter. Criteria: Myriad Autosomal Dominant, Autosomal Recessive and X-Linked Classification Criteria (2023). Collection method: clinical testing. Allele origin: unknown.
Comment: This variant is considered benign. This variant is a silent/synonymous amino acid change and it is not expected to impact splicing.

CeGaT Center for Human Genetics Tuebingen
Classification: Likely benign. Last evaluated: 2024-01-01. Review status: criteria provided, single submitter. Criteria: CeGaT Center For Human Genetics Tuebingen Variant Classification Criteria Version 2. Collection method: clinical testing. Allele origin: germline. Affected: yes. Observed: 1 variant allele.
Comment: TSC2: BP4, BP7

All of Us Research Program, National Institutes of Health
Classification: Likely benign for Tuberous sclerosis syndrome. Last evaluated: 2023-12-07. Review status: criteria provided, single submitter. Criteria: ACMG Guidelines, 2015. Collection method: clinical testing. Allele origin: germline. Inheritance: Autosomal dominant inheritance. Observed: 7 variant alleles, 7 heterozygotes.
Comment: This study involves interpretation of variants in research participants for the purpose of population health screening. Participant phenotype was not available at the time of variant classification. Additional details can be found in publication PMID: 35346344, PMCID: PMC8962531

Blueprint Genetics
Classification: Likely benign. Last evaluated: 2022-08-17. Review status: criteria provided, single submitter. Criteria: ACMG Guidelines, 2015. Collection method: clinical testing. Allele origin: germline.

Genome-Nilou Lab
Classification: Benign for Tuberous sclerosis 2. Last evaluated: 2021-11-07. Review status: criteria provided, single submitter. Criteria: ACMG Guidelines, 2015. Collection method: clinical testing. Allele origin: germline. Affected: no.

Sema4
Classification: Likely benign for Hereditary cancer-predisposing syndrome. Last evaluated: 2021-07-21. Review status: criteria provided, single submitter. Criteria: Sema4 Curation Guidelines. Collection method: curation. Allele origin: germline.

Ambry Genetics
Classification: Likely benign for Hereditary cancer-predisposing syndrome. Last evaluated: 2019-07-25. Review status: criteria provided, single submitter. Criteria: Ambry Variant Classification Scheme 2023. Collection method: clinical testing. Allele origin: germline.

Breakthrough Genomics
Classification: Likely benign. Review status: criteria provided, single submitter. Criteria: ACMG Guidelines, 2015. Collection method: not provided. Allele origin: germline. Inheritance: Autosomal dominant inheritance. Affected: yes.